The following is an entry in ClinVar:

NM_022765.4(MICAL1):c.2303C>A (p.Pro768Gln)

Gene: MICAL1 (microtubule associated monooxygenase, calponin and LIM domain containing 1; minus strand). Cytogenetic location: 6q21.
Variant type: single nucleotide variant.
Coding change: c.2303C>A on transcript NM_022765.4 (MANE Select); coding-DNA position 2303, C replaced by A.
Protein change: p.Pro768Gln; replaces proline 768 with glutamine.
Molecular consequence: missense variant.
Genome position (GRCh38, 1-based): chr6:109,446,697, G>T on the plus strand (C>A on the coding strand, the complement: MICAL1 is on the minus strand). VCF-style: chr6-109446697-G-T. GRCh37 (hg19) VCF-style: chr6-109767900-G-T.
Other names: c.2045C>A, p.Pro682Gln (NM_001159291.2); c.2360C>A, p.Pro787Gln (NM_001286613.2); c.2303C>A (NM_022765.3); short protein forms P682Q, P768Q, P787Q.
Identifiers: ClinVar variation 1949469 (VCV001949469.6), dbSNP rs770312041, ClinGen allele CA3952981.
Genomic context (GRCh38, chr6:109,446,697, plus strand): 5'-TGACGAGACCCTCTTCCTCTTCCCATGCCCCAATATACATACACGCCTTCAGTCTTTACC[G>T]GACTCTCAGGGCCTCTATCGCTGCCTTCCGCTTTGTGGTCTGTCTGGGGCAGGTGCTGGA-3'
Protein context (NP_073602.3, residues 758-778): AEGSDRGPES[Pro768Gln]ELPTPSENSM

ClinVar aggregate classification (germline): Conflicting classifications of pathogenicity. Review status: criteria provided, conflicting classifications (1 of 4 stars). 2 submissions from 2 submitters: Uncertain significance (1); Likely benign (1). Last evaluated 2025-04-12.

gnomAD v4.1: 22 of 1,613,226 alleles (0.0014%); highest among the groups gnomAD compares: Non-Finnish European, 0.00093%; no homozygotes.

Submissions (2):

Ambry Genetics
Classification: Likely benign. Last evaluated: 2025-04-12. Review status: criteria provided, single submitter. Criteria: Ambry Variant Classification Scheme 2023. Collection method: clinical testing. Allele origin: germline.

Labcorp Genetics (formerly Invitae), Labcorp
Classification: Uncertain significance. Last evaluated: 2023-11-01. Review status: criteria provided, single submitter. Criteria: Invitae Variant Classification Sherloc (09022015). Collection method: clinical testing. Allele origin: germline.
Comment: This sequence change replaces proline, which is neutral and non-polar, with glutamine, which is neutral and polar, at codon 787 of the MICAL1 protein (p.Pro787Gln). This variant is present in population databases (rs770312041, gnomAD 0.02%). This variant has not been reported in the literature in individuals affected with MICAL1-related conditions. ClinVar contains an entry for this variant (Variation ID: 1949469). Algorithms developed to predict the effect of missense changes on protein structure and function output the following: SIFT: "Not Available"; PolyPhen-2: "Benign"; Align-GVGD: "Not Available". The glutamine amino acid residue is found in multiple mammalian species, which suggests that this missense change does not adversely affect protein function. In summary, the available evidence is currently insufficient to determine the role of this variant in disease. Therefore, it has been classified as a Variant of Uncertain Significance.